The following is an entry in ClinVar:

ClinVar aggregate classification (germline): Uncertain significance. Review status: criteria provided, multiple submitters, no conflicts (2 of 4 stars). 2 submissions from 2 submitters: Uncertain significance (2). Last evaluated 2025-12-21.

gnomAD v4.1: 1 of 1,612,908 alleles (0.000062%); highest among the groups gnomAD compares: Non-Finnish European, 0.000085%; no homozygotes.

Submissions (2):

Labcorp Genetics (formerly Invitae), Labcorp
Classification: Uncertain significance. Last evaluated: 2025-12-21. Review status: criteria provided, single submitter. Criteria: Invitae Variant Classification Sherloc (09022015). Collection method: clinical testing. Allele origin: germline.
Comment: This sequence change replaces phenylalanine, which is neutral and non-polar, with cysteine, which is neutral and slightly polar, at codon 958 of the IGF1R protein (p.Phe958Cys). This variant is not present in population databases (gnomAD no frequency). This variant has not been reported in the literature in individuals affected with IGF1R-related conditions. Invitae Evidence Modeling of protein sequence and biophysical properties (such as structural, functional, and spatial information, amino acid conservation, physicochemical variation, residue mobility, and thermodynamic stability) indicates that this missense variant is not expected to disrupt IGF1R protein function with a negative predictive value of 80%. In summary, the available evidence is currently insufficient to determine the role of this variant in disease. Therefore, it has been classified as a Variant of Uncertain Significance.

GeneDx
Classification: Uncertain significance. Last evaluated: 2025-04-28. Review status: criteria provided, single submitter. Criteria: GeneDx Variant Classification Process June 2021. Collection method: clinical testing. Allele origin: germline. Affected: yes.
Comment: Not observed at significant frequency in large population cohorts (gnomAD); In silico analysis supports that this missense variant has a deleterious effect on protein structure/function; Has not been previously published as pathogenic or benign to our knowledge

NM_000875.5(IGF1R):c.2873T>G (p.Phe958Cys)

Gene: IGF1R (insulin like growth factor 1 receptor; plus strand). Cytogenetic location: 15q26.3.
Variant type: single nucleotide variant.
Coding change: c.2873T>G on transcript NM_000875.5 (MANE Select); coding-DNA position 2873, T replaced by G.
Protein change: p.Phe958Cys; replaces phenylalanine 958 with cysteine.
Molecular consequence: missense variant.
Genome position (GRCh38, 1-based): chr15:98,929,648, T>G. VCF-style: chr15-98929648-T-G. GRCh37 (hg19) VCF-style: chr15-99472877-T-G.
Other names: c.2870T>G, p.Phe957Cys (NM_001291858.2); short protein forms F957C, F958C.
Identifiers: ClinVar variation 4527069 (VCV004527069.2).